The following is an entry in ClinVar:

ClinVar aggregate classification (germline): Pathogenic. Review status: criteria provided, single submitter (1 of 4 stars). 2 submissions from 2 submitters: Pathogenic (1). 1 of the submissions does not count toward it. Last evaluated 2023-12-21.

Conditions:
Pulmonary hypertension, primary, 1 (PPH1). Also called: Pulmonary hypertension, familial primary, 1, with or without HHT. Identifiers: Orphanet 422, MedGen C4552070, MONDO:0024533, OMIM 178600.
Primary pulmonary hypertension. Also called: Idiopathic pulmonary hypertension. Identifiers: MedGen C0152171.

Submissions (2):

Labcorp Genetics (formerly Invitae), Labcorp
Classification: Pathogenic for Primary pulmonary hypertension. Last evaluated: 2023-12-21. Review status: criteria provided, single submitter. Criteria: Invitae Variant Classification Sherloc (09022015). Collection method: clinical testing. Allele origin: germline.
Comment: This sequence change replaces cysteine, which is neutral and slightly polar, with serine, which is neutral and polar, at codon 117 of the BMPR2 protein (p.Cys117Ser). This variant is not present in population databases (gnomAD no frequency). This missense change has been observed in individuals with pulmonary hypertension (PMID: 18356561, 30578397, 33066286). ClinVar contains an entry for this variant (Variation ID: 425767). Advanced modeling of protein sequence and biophysical properties (such as structural, functional, and spatial information, amino acid conservation, physicochemical variation, residue mobility, and thermodynamic stability) performed at Invitae indicates that this missense variant is expected to disrupt BMPR2 protein function with a positive predictive value of 80%. This variant disrupts the p.Cys117 amino acid residue in BMPR2. Other variant(s) that disrupt this residue have been determined to be pathogenic (PMID: 10973254, 12045205, 25688877, 31727138). This suggests that this residue is clinically significant, and that variants that disrupt this residue are likely to be disease-causing. For these reasons, this variant has been classified as Pathogenic.

Rare Disease Genomics Group, St George's University of London
Classification: Pathogenic for Primary pulmonary hypertension. Review status: no assertion criteria provided. Collection method: literature only. Allele origin: germline. Affected: yes. Not counted in ClinVar's aggregate classification.

Literature cited by the submitters: PubMed 18356561 (cited by Labcorp Genetics (formerly Invitae), Labcorp); PubMed 30578397 (cited by Labcorp Genetics (formerly Invitae), Labcorp); PubMed 33066286 (cited by Labcorp Genetics (formerly Invitae), Labcorp); PubMed 10973254 (cited by Labcorp Genetics (formerly Invitae), Labcorp); PubMed 12045205 (cited by Labcorp Genetics (formerly Invitae), Labcorp); PubMed 25688877 (cited by Labcorp Genetics (formerly Invitae), Labcorp); PubMed 31727138 (cited by Labcorp Genetics (formerly Invitae), Labcorp); PubMed 16429395 (cited by Rare Disease Genomics Group, St George's University of London).

NM_001204.7(BMPR2):c.350G>C (p.Cys117Ser)

Gene: BMPR2 (bone morphogenetic protein receptor type 2; plus strand). Cytogenetic location: 2q33.1.
Variant type: single nucleotide variant.
Coding change: c.350G>C on transcript NM_001204.7 (MANE Select); coding-DNA position 350, G replaced by C.
Protein change: p.Cys117Ser; replaces cysteine 117 with serine.
Molecular consequence: missense variant.
Genome position (GRCh38, 1-based): chr2:202,467,621, G>C. VCF-style: chr2-202467621-G-C. GRCh37 (hg19) VCF-style: chr2-203332344-G-C.
Other names: c.350G>C (LRG_712t1); short protein forms C117S.
Identifiers: ClinVar variation 425767 (VCV000425767.4), dbSNP rs1085307215, ClinGen allele CA350399731.
Genomic context (GRCh38, chr2:202,467,621, plus strand): 5'-AAGAATGTGTAGTAACTACCACTCCTCCCTCAATTCAGAATGGAACATACCGTTTCTGCT[G>C]TTGTAGCACAGATTTATGTAATGTCAACTTTACTGAGAATTTTCCACCTCCTGACACAAC-3'
Protein context (NP_001195.2, residues 107-127): SIQNGTYRFC[Cys117Ser]CSTDLCNVNF